The following is an entry in ClinVar:

ClinVar aggregate classification (germline): Uncertain significance (1 of 4 stars; one submission).

gnomAD v4.1: 22 of 1,571,392 alleles (0.0014%); highest among the groups gnomAD compares: Non-Finnish European, 0.0017%; no homozygotes.

Submission:

Athena Diagnostics
Classification: Uncertain significance. Last evaluated: 2024-12-23. Review status: criteria provided, single submitter. Criteria: Athena Diagnostics Criteria. Collection method: clinical testing. Allele origin: unknown.
Comment: Available data are insufficient to determine the clinical significance of the variant at this time. The frequency of this variant in the general population is uninformative in assessment of its pathogenicity. This variant has been seen where an alternate explanation for disease was also identified, suggesting this variant may not cause disease. Polyphen and MutationTaster yielded discordant predictions regarding whether this amino acid change is damaging to the protein.

NM_000435.3(NOTCH3):c.4535T>C (p.Val1512Ala)

Gene: NOTCH3 (notch receptor 3; minus strand). Cytogenetic location: 19p13.12.
Variant type: single nucleotide variant.
Coding change: c.4535T>C on transcript NM_000435.3 (MANE Select); coding-DNA position 4535, T replaced by C.
Protein change: p.Val1512Ala; replaces valine 1512 with alanine.
Molecular consequence: missense variant.
Genome position (GRCh38, 1-based): chr19:15,174,269, A>G on the plus strand (T>C on the coding strand, the complement: NOTCH3 is on the minus strand). VCF-style: chr19-15174269-A-G. GRCh37 (hg19) VCF-style: chr19-15285080-A-G.
Other names: short protein forms V1512A.
Identifiers: ClinVar variation 4682297 (VCV004682297.1).
Genomic context (GRCh38, chr19:15,174,269, plus strand): 5'-AGAAAGTCGGCGCTGGAACGCAGTAGCTCCTCTGGCGGCAGCAGCACTGTGAGCACCAGC[A>G]CGCCGCGGGCCAGCAGGGCCGGCACCTCGCTGGCACAATCCAGCCCATCCCAGCCGCACT-3'
Protein context (NP_000426.2, residues 1502-1522): SEVPALLARG[Val1512Ala]LVLTVLLPPE